The following is an entry in ClinVar:

NM_001003800.2(BICD2):c.50C>A (p.Ala17Glu)

Gene: BICD2 (BICD cargo adaptor 2; minus strand). Cytogenetic location: 9q22.31.
Variant type: single nucleotide variant.
Coding change: c.50C>A on transcript NM_001003800.2 (MANE Select); coding-DNA position 50, C replaced by A.
Protein change: p.Ala17Glu; replaces alanine 17 with glutamic acid.
Molecular consequence: missense variant.
Genome position (GRCh38, 1-based): chr9:92,764,695, G>T on the plus strand (C>A on the coding strand, the complement: BICD2 is on the minus strand). VCF-style: chr9-92764695-G-T. GRCh37 (hg19) VCF-style: chr9-95526977-G-T.
Other names: c.50C>A, p.Ala17Glu (NM_015250.4); short protein forms A17E.
Identifiers: ClinVar variation 2910921 (VCV002910921.3), dbSNP rs754808774, ClinGen allele CA5126892.

ClinVar aggregate classification (germline): Uncertain significance (1 of 4 stars; one submission).

Conditions:
Autosomal dominant childhood-onset proximal spinal muscular atrophy with contractures (SMALED2A). Also called: Spinal muscular atrophy, lower extremity-predominant, 2A, autosomal dominant; SPINAL MUSCULAR ATROPHY, LOWER EXTREMITY-PREDOMINANT, 2A, CHILDHOOD ONSET, AUTOSOMAL DOMINANT. Identifiers: Orphanet 363447, Orphanet 363454, MedGen C4747715, MONDO:0014121, OMIM 615290.

Allele frequency attached by ClinVar (database versions not stated): ExAC 0.00347.

Submission:

Labcorp Genetics (formerly Invitae), Labcorp
Classification: Uncertain significance for Autosomal dominant childhood-onset proximal spinal muscular atrophy with contractures. Last evaluated: 2023-03-26. Review status: criteria provided, single submitter. Criteria: Invitae Variant Classification Sherloc (09022015). Collection method: clinical testing. Allele origin: germline.
Comment: In summary, the available evidence is currently insufficient to determine the role of this variant in disease. Therefore, it has been classified as a Variant of Uncertain Significance. Advanced modeling of protein sequence and biophysical properties (such as structural, functional, and spatial information, amino acid conservation, physicochemical variation, residue mobility, and thermodynamic stability) performed at Invitae indicates that this missense variant is not expected to disrupt BICD2 protein function. This variant has not been reported in the literature in individuals affected with BICD2-related conditions. The frequency data for this variant in the population databases is considered unreliable, as metrics indicate poor data quality at this position in the gnomAD database. This sequence change replaces alanine, which is neutral and non-polar, with glutamic acid, which is acidic and polar, at codon 17 of the BICD2 protein (p.Ala17Glu).